The following is an entry in ClinVar:

NM_014043.4(CHMP2B):c.323C>T (p.Thr108Ile)

Gene: CHMP2B (charged multivesicular body protein 2B; plus strand). Cytogenetic location: 3p11.2.
Variant type: single nucleotide variant.
Coding change: c.323C>T on transcript NM_014043.4 (MANE Select); coding-DNA position 323, C replaced by T.
Protein change: p.Thr108Ile; replaces threonine 108 with isoleucine.
Molecular consequence: missense variant.
Genome position (GRCh38, 1-based): chr3:87,249,876, C>T. VCF-style: chr3-87249876-C-T. GRCh37 (hg19) VCF-style: chr3-87299026-C-T.
Other names: c.200C>T, p.Thr67Ile (NM_001244644.2); c.419C>T, p.Thr140Ile (NM_001410777.1); short protein forms T108I, T140I, T67I.
Identifiers: ClinVar variation 2628667 (VCV002628667.1), dbSNP rs753676349, ClinGen allele CA2500966.

ClinVar aggregate classification (germline): Uncertain significance (1 of 4 stars; one submission).

Conditions:
CHMP2B-related disorder. Also called: CHMP2B-related condition.

Allele frequency attached by ClinVar (database versions not stated): gnomAD 0.00001; gnomAD exomes 0.00002; ExAC 0.00004.
gnomAD v4.1: 24 of 1,577,850 alleles (0.0015%); highest among the groups gnomAD compares: South Asian, 0.026%; no homozygotes.

Submission:

PreventionGenetics, part of Exact Sciences
Classification: Uncertain significance for CHMP2B-related condition. Last evaluated: 2023-05-11. Review status: criteria provided, single submitter. Criteria: ACMG Guidelines, 2015. Collection method: clinical testing. Allele origin: germline.
Comment: The CHMP2B c.323C>T variant is predicted to result in the amino acid substitution p.Thr108Ile. To our knowledge, this variant has not been reported in the literature. This variant is reported in 0.033% of alleles in individuals of South Asian descent in gnomAD. Although we suspect that this variant may be benign, at this time, the clinical significance of this variant is uncertain due to the absence of conclusive functional and genetic evidence.